The following is an entry in ClinVar:

ClinVar aggregate classification (germline): Pathogenic (1 of 4 stars; one submission).

Conditions:
Duchenne muscular dystrophy (DMD). Also called: Duchenne Muscular Dystrophy (DMD); MUSCULAR DYSTROPHY, PSEUDOHYPERTROPHIC PROGRESSIVE, DUCHENNE TYPE. Identifiers: Orphanet 98896, MedGen C0013264, MONDO:0010679, OMIM 310200.

Submission:

Labcorp Genetics (formerly Invitae), Labcorp
Classification: Pathogenic for Duchenne muscular dystrophy. Last evaluated: 2021-06-09. Review status: criteria provided, single submitter. Criteria: Invitae Variant Classification Sherloc (09022015). Collection method: clinical testing. Allele origin: germline.
Comment: Algorithms developed to predict the effect of sequence changes on RNA splicing suggest that this variant may disrupt the consensus splice site, but this prediction has not been confirmed by published transcriptional studies. For these reasons, this variant has been classified as Pathogenic. Disruption of this splice site has been observed in individual(s) with Duchenne muscular dystrophy (PMID: 29973226, 21515508). This variant is not present in population databases (ExAC no frequency). This sequence change affects an acceptor splice site in intron 6 of the DMD gene. It is expected to disrupt RNA splicing. Variants that disrupt the donor or acceptor splice site typically lead to a loss of protein function (PMID: 16199547), and loss-of-function variants in DMD are known to be pathogenic (PMID: 16770791, 25007885).

Literature cited by the submitters: PubMed 29973226; PubMed 21515508; PubMed 16199547; PubMed 16770791; PubMed 25007885.

NM_004006.3(DMD):c.531-2A>T

Gene: DMD (dystrophin; minus strand). Cytogenetic location: Xp21.1.
Variant type: single nucleotide variant.
Coding change: c.531-2A>T on transcript NM_004006.3 (MANE Select); the canonical splice acceptor site of the intron before coding-DNA position 531, A replaced by T.
Molecular consequence: splice acceptor variant.
Genome position (GRCh38, 1-based): chrX:32,809,613, T>A on the plus strand (A>T on the coding strand, the complement: DMD is on the minus strand). VCF-style: chrX-32809613-T-A. GRCh37 (hg19) VCF-style: chrX-32827730-T-A.
Other names: c.507-2A>T (NM_000109.4); c.519-2A>T (NM_004009.3); c.162-2A>T (NM_004010.3).
Identifiers: ClinVar variation 1455624 (VCV001455624.8), dbSNP rs398123985, ClinGen allele CA412674014.